The following is an entry in ClinVar:

ClinVar aggregate classification (germline): Uncertain significance. Review status: criteria provided, multiple submitters, no conflicts (2 of 4 stars). 2 submissions from 2 submitters: Uncertain significance (2). Last evaluated 2025-11-11.

Conditions:
Colorectal cancer, hereditary nonpolyposis, type 7. Identifiers: Orphanet 144, MedGen C1858380, MONDO:0013725, OMIM 614385.

Submissions (2):

Labcorp Genetics (formerly Invitae), Labcorp
Classification: Uncertain significance for Colorectal cancer, hereditary nonpolyposis, type 7. Last evaluated: 2025-11-11. Review status: criteria provided, single submitter. Criteria: Invitae Variant Classification Sherloc (09022015). Collection method: clinical testing. Allele origin: germline.
Comment: This sequence change replaces isoleucine, which is neutral and non-polar, with lysine, which is basic and polar, at codon 226 of the MLH3 protein (p.Ile226Lys). This variant is not present in population databases (gnomAD no frequency). This variant has not been reported in the literature in individuals affected with MLH3-related conditions. ClinVar contains an entry for this variant (Variation ID: 2448612). An algorithm developed to predict the effect of missense changes on protein structure and function (PolyPhen-2) suggests that this variant is likely to be disruptive. In summary, the available evidence is currently insufficient to determine the role of this variant in disease. Therefore, it has been classified as a Variant of Uncertain Significance.

Ambry Genetics
Classification: Uncertain significance. Last evaluated: 2025-02-16. Review status: criteria provided, single submitter. Criteria: Ambry Variant Classification Scheme 2023. Collection method: clinical testing. Allele origin: germline.
Comment: The p.I226K variant (also known as c.677T>A), located in coding exon 1 of the MLH3 gene, results from a T to A substitution at nucleotide position 677. The isoleucine at codon 226 is replaced by lysine, an amino acid with dissimilar properties. This amino acid position is conserved. In addition, this alteration is predicted to be deleterious by in silico analysis. Since supporting evidence is limited at this time, the clinical significance of this alteration remains unclear.

NM_001040108.2(MLH3):c.677T>A (p.Ile226Lys)

Gene: MLH3 (mutL homolog 3; minus strand). Cytogenetic location: 14q24.3.
Variant type: single nucleotide variant.
Coding change: c.677T>A on transcript NM_001040108.2 (MANE Select); coding-DNA position 677, T replaced by A.
Protein change: p.Ile226Lys; replaces isoleucine 226 with lysine.
Molecular consequence: missense variant.
Genome position (GRCh38, 1-based): chr14:75,048,979, A>T on the plus strand (T>A on the coding strand, the complement: MLH3 is on the minus strand). VCF-style: chr14-75048979-A-T. GRCh37 (hg19) VCF-style: chr14-75515682-A-T.
Other names: c.677T>A, p.Ile226Lys (NM_014381.3); short protein forms I226K.
Identifiers: ClinVar variation 2448612 (VCV002448612.4), dbSNP rs2139601409, ClinGen allele CA390449634.